The following is an entry in ClinVar:

NM_024675.4(PALB2):c.1A>T (p.Met1Leu)

Gene: PALB2 (partner and localizer of BRCA2; minus strand). Cytogenetic location: 16p12.2.
Variant type: single nucleotide variant.
Coding change: c.1A>T on transcript NM_024675.4 (MANE Select); coding-DNA position 1, A replaced by T.
Protein change: p.Met1Leu; changes the start codon (methionine 1).
Molecular consequence: missense variant, initiator codon variant. On other transcripts: 5 prime UTR variant (10).
Genome position (GRCh38, 1-based): chr16:23,641,157, T>A on the plus strand (A>T on the coding strand, the complement: PALB2 is on the minus strand). VCF-style: chr16-23641157-T-A. GRCh37 (hg19) VCF-style: chr16-23652478-T-A.
Other names: c.1A>T, p.Met1Leu (NM_001407296.1, NM_001407297.1, NM_001407298.1 and 5 more transcripts); c.-1743A>T (NM_001407304.1, NM_001407310.1); c.-1019A>T (NM_001407305.1, NM_001407307.1, NM_001407309.1 and 1 more transcripts); c.-868A>T (NM_001407306.1, NM_001407308.1); c.-152A>T (NM_001407312.1, NM_001407313.1); short protein forms M1L.
Identifiers: ClinVar variation 3927445 (VCV003927445.2).

ClinVar aggregate classification (germline): Likely pathogenic (1 of 4 stars; one submission).

Conditions:
Hereditary cancer-predisposing syndrome. Also called: Hereditary Cancer Syndrome; Hereditary neoplastic syndrome; Neoplastic Syndromes, Hereditary; Tumor predisposition. Identifiers: Orphanet 140162, MedGen C0027672, MeSH D009386, MONDO:0015356.

Submission:

Ambry Genetics
Classification: Likely pathogenic for Hereditary cancer-predisposing syndrome. Last evaluated: 2025-11-12. Review status: criteria provided, single submitter. Criteria: Ambry Variant Classification Scheme 2023. Collection method: clinical testing. Allele origin: germline.
Comment: The p.M1? variant (also known as c.1A>T) is located in coding exon 1 of the PALB2 gene and results from an A to T substitution at nucleotide position 1. This alters the methionine residue at the initiation codon (ATG). Sequence variations that modify the initiation codon are expected to result in either loss of translation initiation, N-terminal truncation, or cause a shift in the mRNA reading frame. This variant is considered to be rare based on population cohorts in the Genome Aggregation Database (gnomAD). Based on the majority of available evidence to date, this variant is likely to be pathogenic.